The following is an entry in ClinVar:

NM_021922.3(FANCE):c.1392G>T (p.Met464Ile)

Gene: FANCE (FA complementation group E; plus strand). Cytogenetic location: 6p21.31.
Variant type: single nucleotide variant.
Coding change: c.1392G>T on transcript NM_021922.3 (MANE Select); coding-DNA position 1392, G replaced by T.
Protein change: p.Met464Ile; replaces methionine 464 with isoleucine.
Molecular consequence: missense variant.
Genome position (GRCh38, 1-based): chr6:35,462,797, G>T. VCF-style: chr6-35462797-G-T. GRCh37 (hg19) VCF-style: chr6-35430574-G-T.
Other names: short protein forms M464I.
Identifiers: ClinVar variation 945686 (VCV000945686.8), dbSNP rs759978029, ClinGen allele CA363777852.

ClinVar aggregate classification (germline): Uncertain significance (1 of 4 stars; one submission).

Conditions:
Fanconi anemia complementation group E (FANCE). Also called: FANCE-Related Fanconi Anemia. Identifiers: Orphanet 84, MedGen C3160739, MONDO:0010953, OMIM 600901.

Submission:

Labcorp Genetics (formerly Invitae), Labcorp
Classification: Uncertain significance for Fanconi anemia complementation group E. Last evaluated: 2021-01-14. Review status: criteria provided, single submitter. Criteria: Invitae Variant Classification Sherloc (09022015). Collection method: clinical testing. Allele origin: germline.
Comment: This variant has not been reported in the literature in individuals with FANCE-related conditions. This sequence change replaces methionine with isoleucine at codon 464 of the FANCE protein (p.Met464Ile). The methionine residue is moderately conserved and there is a small physicochemical difference between methionine and isoleucine. This variant is not present in population databases (ExAC no frequency). Algorithms developed to predict the effect of missense changes on protein structure and function output the following: SIFT: "Tolerated"; PolyPhen-2: "Benign"; Align-GVGD: "Class C0". The isoleucine amino acid residue is found in multiple mammalian species, suggesting that this missense change does not adversely affect protein function. These predictions have not been confirmed by published functional studies and their clinical significance is uncertain. In summary, the available evidence is currently insufficient to determine the role of this variant in disease. Therefore, it has been classified as a Variant of Uncertain Significance.